The following is an entry in ClinVar:

ClinVar aggregate classification (germline): Uncertain significance. Review status: criteria provided, multiple submitters, no conflicts (2 of 4 stars). 2 submissions from 2 submitters: Uncertain significance (2). Last evaluated 2024-08-12.

Conditions:
Hereditary cancer-predisposing syndrome. Also called: Tumor predisposition; Neoplastic Syndromes, Hereditary; Hereditary Cancer Syndrome; Hereditary neoplastic syndrome. Identifiers: Orphanet 140162, MedGen C0027672, MeSH D009386, MONDO:0015356.
Tuberous sclerosis 2 (TSC2). Identifiers: Orphanet 805, MedGen C1860707, MONDO:0013199, OMIM 613254.

Submissions (2):

Ambry Genetics
Classification: Uncertain significance for Hereditary cancer-predisposing syndrome. Last evaluated: 2024-08-12. Review status: criteria provided, single submitter. Criteria: Ambry Variant Classification Scheme 2023. Collection method: clinical testing. Allele origin: germline.
Comment: The p.M301T variant (also known as c.902T>C), located in coding exon 9 of the TSC2 gene, results from a T to C substitution at nucleotide position 902. The methionine at codon 301 is replaced by threonine, an amino acid with similar properties. This amino acid position is conserved. In addition, this alteration is predicted to be deleterious by in silico analysis. Based on the available evidence, the clinical significance of this variant remains unclear.

Labcorp Genetics (formerly Invitae), Labcorp
Classification: Uncertain significance for Tuberous sclerosis 2. Last evaluated: 2022-12-20. Review status: criteria provided, single submitter. Criteria: Invitae Variant Classification Sherloc (09022015). Collection method: clinical testing. Allele origin: germline.
Comment: Advanced modeling of protein sequence and biophysical properties (such as structural, functional, and spatial information, amino acid conservation, physicochemical variation, residue mobility, and thermodynamic stability) performed at Invitae indicates that this missense variant is not expected to disrupt TSC2 protein function. This sequence change replaces methionine, which is neutral and non-polar, with threonine, which is neutral and polar, at codon 301 of the TSC2 protein (p.Met301Thr). This variant is not present in population databases (gnomAD no frequency). This variant has not been reported in the literature in individuals affected with TSC2-related conditions. ClinVar contains an entry for this variant (Variation ID: 406052). In summary, the available evidence is currently insufficient to determine the role of this variant in disease. Therefore, it has been classified as a Variant of Uncertain Significance.

NM_000548.5(TSC2):c.902T>C (p.Met301Thr)

Gene: TSC2 (TSC complex subunit 2; plus strand). Cytogenetic location: 16p13.3.
Variant type: single nucleotide variant.
Coding change: c.902T>C on transcript NM_000548.5 (MANE Select); coding-DNA position 902, T replaced by C.
Protein change: p.Met301Thr; replaces methionine 301 with threonine.
Molecular consequence: missense variant.
Genome position (GRCh38, 1-based): chr16:2,058,800, T>C. VCF-style: chr16-2058800-T-C. GRCh37 (hg19) VCF-style: chr16-2108801-T-C.
Other names: c.902T>C, p.Met301Thr (NM_001077183.3, NM_001114382.3, NM_001363528.2 and 3 more transcripts); c.791T>C, p.Met264Thr (NM_001318827.2); c.755T>C, p.Met252Thr (NM_001318829.2); c.302T>C, p.Met101Thr (NM_001318831.2); c.935T>C, p.Met312Thr (NM_001318832.2); short protein forms M301T, M252T, M264T, M312T, M101T.
Identifiers: ClinVar variation 406052 (VCV000406052.11), dbSNP rs1060500949, ClinGen allele CA16615032.